The following is an entry in ClinVar:

NM_000548.5(TSC2):c.4373C>T (p.Pro1458Leu)

Gene: TSC2 (TSC complex subunit 2; plus strand). Cytogenetic location: 16p13.3.
Variant type: single nucleotide variant.
Coding change: c.4373C>T on transcript NM_000548.5 (MANE Select); coding-DNA position 4373, C replaced by T.
Protein change: p.Pro1458Leu; replaces proline 1458 with leucine.
Molecular consequence: missense variant.
Genome position (GRCh38, 1-based): chr16:2,084,595, C>T. VCF-style: chr16-2084595-C-T. GRCh37 (hg19) VCF-style: chr16-2134596-C-T.
Other names: c.2960C>T, p.Pro987Leu (NM_001406689.1); c.2900C>T, p.Pro967Leu (NM_001406690.1); c.2897C>T, p.Pro966Leu (NM_001406691.1); c.2831C>T, p.Pro944Leu (NM_001406692.1, NM_001406693.1, NM_001406694.1); c.2828C>T, p.Pro943Leu (NM_001406695.1, NM_001406696.1, NM_001406697.1); c.2570C>T, p.Pro857Leu (NM_001406698.1); c.4244C>T, p.Pro1415Leu (NM_021055.3, NM_001370405.1); c.4172C>T, p.Pro1391Leu (NM_001077183.3); and 26 more; short protein forms P1191L, P1238L, P1258L, P1342L, P1392L, P1415L, P1457L, P944L.
Identifiers: ClinVar variation 1740105 (VCV001740105.2), dbSNP rs2544282164, ClinGen allele CA394301780.
Genomic context (GRCh38, chr16:2,084,595, plus strand): 5'-GGGGCCAGCCCGAGGGTCCCTTGCCTTCCAGCTCCCCCCGCTCGCCCAGTGGCCTCCGGC[C>T]CCGAGGTTACACCATCTCCGACTCGGCCCCATCACGCAGGGGCAAGAGAGTAGAGAGGGA-3'
Protein context (NP_000539.2, residues 1448-1468): SSPRSPSGLR[Pro1458Leu]RGYTISDSAP

ClinVar aggregate classification (germline): Uncertain significance (1 of 4 stars; one submission).

Conditions:
Hereditary cancer-predisposing syndrome. Also called: Hereditary Cancer Syndrome; Hereditary neoplastic syndrome; Neoplastic Syndromes, Hereditary; Tumor predisposition. Identifiers: Orphanet 140162, MedGen C0027672, MeSH D009386, MONDO:0015356.

Allele frequency attached by ClinVar (database versions not stated): gnomAD exomes below 0.00001.
gnomAD v4.1: 1 of 1,604,508 alleles (0.000062%); highest among the groups gnomAD compares: Middle Eastern, 0.016%; no homozygotes.

Submission:

Ambry Genetics
Classification: Uncertain significance for Hereditary cancer-predisposing syndrome. Last evaluated: 2021-08-03. Review status: criteria provided, single submitter. Criteria: Ambry Variant Classification Scheme 2023. Collection method: clinical testing. Allele origin: germline.
Comment: The p.P1458L variant (also known as c.4373C>T), located in coding exon 33 of the TSC2 gene, results from a C to T substitution at nucleotide position 4373. The proline at codon 1458 is replaced by leucine, an amino acid with similar properties. This amino acid position is highly conserved in available vertebrate species. In addition, this alteration is predicted to be deleterious by in silico analysis. Since supporting evidence is limited at this time, the clinical significance of this alteration remains unclear.